The following is an entry in ClinVar:

NM_021133.4(RNASEL):c.270G>A (p.Lys90=)

Gene: RNASEL (ribonuclease L; minus strand). Cytogenetic location: 1q25.3.
Variant type: single nucleotide variant.
Coding change: c.270G>A on transcript NM_021133.4 (MANE Select); coding-DNA position 270, G replaced by A.
Protein change: p.Lys90=; no amino-acid change (lysine 90 retained).
Molecular consequence: synonymous variant.
Genome position (GRCh38, 1-based): chr1:182,586,537, C>T on the plus strand (G>A on the coding strand, the complement: RNASEL is on the minus strand). VCF-style: chr1-182586537-C-T. GRCh37 (hg19) VCF-style: chr1-182555672-C-T.
Identifiers: ClinVar variation 3048102 (VCV003048102.2), dbSNP rs533900576, ClinGen allele CA1278323.

ClinVar aggregate classification (germline): Likely benign (0 of 4 stars; one submission).

Conditions:
RNASEL-related disorder. Also called: RNASEL-related condition.

Allele frequency attached by ClinVar (database versions not stated): TOPMed below 0.00001; gnomAD 0.00003; gnomAD exomes 0.00004; ExAC 0.00017; 1000 Genomes Project 0.00040; 1000 Genomes Project 30x 0.00047.
gnomAD v4.1: 75 of 1,608,730 alleles (0.0047%); highest among the groups gnomAD compares: South Asian, 0.072%; no homozygotes.

Submission:

PreventionGenetics, part of Exact Sciences
Classification: Likely benign for RNASEL-related condition. Last evaluated: 2019-11-16. Review status: no assertion criteria provided. Collection method: clinical testing. Allele origin: germline.
Comment: This variant is classified as likely benign based on ACMG/AMP sequence variant interpretation guidelines (Richards et al. 2015 PMID: 25741868, with internal and published modifications).